The following is an entry in ClinVar:

ClinVar aggregate classification (germline): Benign. Review status: criteria provided, multiple submitters, no conflicts (2 of 4 stars). 2 submissions from 2 submitters: Benign (2). Last evaluated 2025-12-31.

Allele frequency attached by ClinVar (database versions not stated): ESP Exome Variant Server 0.00008; ExAC 0.00012; gnomAD exomes 0.00012 and 0.00023; gnomAD 0.00013 and 0.00014; TOPMed 0.00022.
gnomAD v4.1: 349 of 1,604,004 alleles (0.022%); highest among the groups gnomAD compares: Non-Finnish European, 0.028%; no homozygotes.

Submissions (2):

Women's Health and Genetics/Laboratory Corporation of America, LabCorp
Classification: Benign. Last evaluated: 2025-12-31. Review status: criteria provided, single submitter. Criteria: LabCorp Variant Classification Summary - May 2015. Collection method: clinical testing. Allele origin: germline.
Comment: Variant summary: RERE c.396+6C>T alters a non-conserved nucleotide located close to a canonical splice site and therefore could affect mRNA splicing, leading to a significantly altered protein sequence. Consensus agreement among computation tools predicts no significant impact on normal splicing. However, these predictions have yet to be confirmed by functional studies. The variant allele was found at a frequency of 0.00022 in 1598660 control chromosomes, predominantly at a frequency of 0.00028 within the Non-Finnish European subpopulation in the gnomAD database. The occurrence in numerous carriers suggests that this variant is likely not associated with a high penetrance, severe, early onset disease phenotype in heterozygous state. To our knowledge, no occurrence of c.396+6C>T in individuals affected with RERE-related conditions and no experimental evidence demonstrating its impact on protein function have been reported. ClinVar contains an entry for this variant (Variation ID: 718380). Based on the evidence outlined above, the variant was classified as benign.

Labcorp Genetics (formerly Invitae), Labcorp
Classification: Benign. Last evaluated: 2025-12-09. Review status: criteria provided, single submitter. Criteria: Invitae Variant Classification Sherloc (09022015). Collection method: clinical testing. Allele origin: germline.

NM_001042681.2(RERE):c.396+6C>T

Gene: RERE (arginine-glutamic acid dipeptide repeats; minus strand). Cytogenetic location: 1p36.23.
Variant type: single nucleotide variant.
Coding change: c.396+6C>T on transcript NM_001042681.2 (MANE Select); 6 bases into the intron after coding-DNA position 396, C replaced by T.
Molecular consequence: intron variant.
Genome position (GRCh38, 1-based): chr1:8,624,304, G>A on the plus strand (C>T on the coding strand, the complement: RERE is on the minus strand). VCF-style: chr1-8624304-G-A. GRCh37 (hg19) VCF-style: chr1-8684363-G-A.
Other names: c.396+6C>T (NM_012102.4).
Identifiers: ClinVar variation 718380 (VCV000718380.8), dbSNP rs374993416, ClinGen allele CA572100.